The following is an entry in ClinVar:

ClinVar aggregate classification (germline): Uncertain significance (1 of 4 stars; one submission).

Conditions:
Malignant hyperthermia, susceptibility to, 1 (MHS1). Also called: RYR1-Related Malignant Hyperthermia Susceptibility; Anesthesia related hyperthermia; Malignant hyperpyrexia; Fulminating hyperpyrexia; Pharmacogenic myopathy; Malignant hyperthermia suceptibility 1. Identifiers: Orphanet 423, MedGen C2930980, MONDO:0007783, OMIM 145600.

Submission:

All of Us Research Program, National Institutes of Health
Classification: Uncertain significance for Malignant hyperthermia, susceptibility to, 1. Last evaluated: 2023-04-03. Review status: criteria provided, single submitter. Criteria: ACMG Guidelines, 2015. Collection method: clinical testing. Allele origin: germline. Inheritance: Autosomal dominant inheritance. Observed: 1 variant allele, 1 heterozygote.
Comment: This missense variant replaces leucine with methionine at codon 442 of the RYR1 protein. Computational prediction suggests that this variant may not impact protein structure and function (internally defined REVEL score threshold <= 0.5, PMID: 27666373). To our knowledge, functional studies have not been reported for this variant. This variant has not been reported in individuals affected with RYR1-related disorders in the literature. This variant has not been identified in the general population by the Genome Aggregation Database (gnomAD). The available evidence is insufficient to determine the role of this variant in disease conclusively. Therefore, this variant is classified as a Variant of Uncertain Significance.

This study involves interpretation of variants in research participants for the purpose of population health screening. Participant phenotype was not available at the time of variant classification. Additional details can be found in publication PMID: 35346344, PMCID: PMC8962531

NM_000540.3(RYR1):c.1324C>A (p.Leu442Met)

Gene: RYR1 (ryanodine receptor 1; plus strand). Cytogenetic location: 19q13.2.
Variant type: single nucleotide variant.
Coding change: c.1324C>A on transcript NM_000540.3 (MANE Select); coding-DNA position 1324, C replaced by A.
Protein change: p.Leu442Met; replaces leucine 442 with methionine.
Molecular consequence: missense variant.
Genome position (GRCh38, 1-based): chr19:38,452,898, C>A. VCF-style: chr19-38452898-C-A. GRCh37 (hg19) VCF-style: chr19-38943538-C-A.
Other names: c.1324C>A, p.Leu442Met (NM_001042723.2); short protein forms L442M.
Identifiers: ClinVar variation 3070191 (VCV003070191.1), dbSNP rs2514016207, ClinGen allele CA405685752.
Genomic context (GRCh38, chr19:38,452,898, plus strand): 5'-GGGAAGCCACGGGGCTCGGGGCCACCCGCTGGCACGGCGCTGCCCATCGAGGGCGTTATC[C>A]TGAGCCTGCAGGACCTCATCATCTACTTCGAGCCTCCCTCCGAGGACTTGCAGCACGAGG-3'
Protein context (NP_000531.2, residues 432-452): GTALPIEGVI[Leu442Met]SLQDLIIYFE